The following is an entry in ClinVar:

ClinVar aggregate classification (germline): Pathogenic. Review status: criteria provided, single submitter (1 of 4 stars). 2 submissions from 2 submitters: Pathogenic (1). 1 of the submissions does not count toward it. Last evaluated 2025-04-01.

Conditions:
KCNQ1-related disorder. Also called: KCNQ1-related condition; KCNQ1-related disorders. Identifiers: MedGen CN239322.
Familial long QT syndrome (RWS). Also called: Congenital long QT syndrome; Romano-Ward syndrome; VENTRICULAR FIBRILLATION WITH PROLONGED QT INTERVAL. Identifiers: Orphanet 768, MedGen C1141890, MONDO:0019171.

Submissions (2):

PreventionGenetics, part of Exact Sciences
Classification: Pathogenic for KCNQ1-related condition. Last evaluated: 2025-04-01. Review status: criteria provided, single submitter. Criteria: ACMG Guidelines, 2015. Collection method: clinical testing. Allele origin: germline.
Comment: The KCNQ1 c.626C>T variant is predicted to result in the amino acid substitution p.Ser209Phe. This variant has been reported in multiple individuals with atrial fibrillation (AF) and has shown co-segregation with disease in a large family presenting early onset of AF, a normal corrected QT interval, and mild left ventricular dilatation (Das et al. 2009. PubMed ID: 19632626; Napolitano et al. 2005. PubMed ID: 16414944; Eldstrom et al. 2010. PubMed ID: 20421371; Eldstrom et al. 2014. PubMed ID: 25444851; Schwartz et al. 2021. PubMed ID: 34505893). Incomplete penetrance has been reported for this variant (Das et al. 2009. PubMed ID: 19632626). Experimental studies suggest a gain-of-function effect for this variant based on changes in channel response (Das et al. 2009. PubMed ID: 19632626; Eldstrom et al. 2010. PubMed ID: 20421371). This variant has not been reported in a large population database (gnomAD), indicating this variant is rare. This variant is interpreted as pathogenic.

Cardiovascular Biomedical Research Unit, Royal Brompton & Harefield NHS Foundation Trust
No classification provided. Condition: Familial long QT syndrome. Review status: no classification provided. Collection method: literature only. Allele origin: germline. Not counted in ClinVar's aggregate classification.
Comment: This variant has been reported as associated with Long QT syndrome in the following publications (PMID:16414944;PMID:20421371). This is a literature report, and does not necessarily reflect the clinical interpretation of the Imperial College / Royal Brompton Cardiovascular Genetics laboratory.

Literature cited by the submitters: PubMed 16414944 (cited by Cardiovascular Biomedical Research Unit, Royal Brompton & Harefield NHS Foundation Trust); PubMed 20421371 (cited by Cardiovascular Biomedical Research Unit, Royal Brompton & Harefield NHS Foundation Trust); PubMed 22581653 (cited by Cardiovascular Biomedical Research Unit, Royal Brompton & Harefield NHS Foundation Trust).

NM_000218.3(KCNQ1):c.626C>T (p.Ser209Phe)

Gene: KCNQ1 (potassium voltage-gated channel subfamily Q member 1; plus strand). Cytogenetic location: 11p15.5.
Variant type: single nucleotide variant.
Coding change: c.626C>T on transcript NM_000218.3 (MANE Select); coding-DNA position 626, C replaced by T.
Protein change: p.Ser209Phe; replaces serine 209 with phenylalanine.
Molecular consequence: missense variant.
Genome position (GRCh38, 1-based): chr11:2,571,346, C>T. VCF-style: chr11-2571346-C-T. GRCh37 (hg19) VCF-style: chr11-2592576-C-T.
Other names: c.626C>T (LRG_287t1); c.626C>T, p.Ser209Phe (NM_001406836.1); c.356C>T, p.Ser119Phe (NM_001406837.1); c.245C>T, p.Ser82Phe (NM_181798.2); short protein forms S209F, S82F, S119F.
Identifiers: ClinVar variation 53080 (VCV000053080.4), dbSNP rs199472704, ClinGen allele CA007803.